The following is an entry in ClinVar:

ClinVar aggregate classification (germline): Uncertain significance (1 of 4 stars; one submission).

Conditions:
Hereditary cancer-predisposing syndrome. Also called: Neoplastic Syndromes, Hereditary; Tumor predisposition; Hereditary Cancer Syndrome; Hereditary neoplastic syndrome. Identifiers: Orphanet 140162, MedGen C0027672, MeSH D009386, MONDO:0015356.

Submission:

Ambry Genetics
Classification: Uncertain significance for Hereditary cancer-predisposing syndrome. Last evaluated: 2022-09-11. Review status: criteria provided, single submitter. Criteria: Ambry Variant Classification Scheme 2023. Collection method: clinical testing. Allele origin: germline.
Comment: The p.V1008I variant (also known as c.3022G>A), located in coding exon 22 of the MSH3 gene, results from a G to A substitution at nucleotide position 3022. The valine at codon 1008 is replaced by isoleucine, an amino acid with highly similar properties. This amino acid position is conserved. In addition, the in silico prediction for this alteration is inconclusive. Since supporting evidence is limited at this time, the clinical significance of this alteration remains unclear.

NM_002439.5(MSH3):c.3022G>A (p.Val1008Ile)

Gene: MSH3 (mutS homolog 3; plus strand). Cytogenetic location: 5q14.1.
Variant type: single nucleotide variant.
Coding change: c.3022G>A on transcript NM_002439.5 (MANE Select); coding-DNA position 3022, G replaced by A.
Protein change: p.Val1008Ile; replaces valine 1008 with isoleucine.
Molecular consequence: missense variant.
Genome position (GRCh38, 1-based): chr5:80,864,834, G>A. VCF-style: chr5-80864834-G-A. GRCh37 (hg19) VCF-style: chr5-80160653-G-A.
Other names: short protein forms V1008I.
Identifiers: ClinVar variation 1798935 (VCV001798935.2), dbSNP rs2478789031, ClinGen allele CA360346105.